The following is an entry in ClinVar:

ClinVar aggregate classification (germline): Pathogenic (1 of 4 stars; one submission).

Conditions:
RPGR-related disorder. Also called: RPGR-related condition.

Submission:

PreventionGenetics, part of Exact Sciences
Classification: Pathogenic for RPGR-related condition. Last evaluated: 2026-01-05. Review status: criteria provided, single submitter. Criteria: ACMG Guidelines, 2015. Collection method: clinical testing. Allele origin: germline.
Comment: The RPGR c.1530delC variant is predicted to result in a frameshift and premature protein termination (p.Asn511Metfs*5). To our knowledge, this variant has not been reported in the literature. This variant is absent in a large population database (gnomAD), indicating this variant is rare. Frameshift variants in RPGR have been well-documented to cause X-linked retinitis pigmentosa (Carss et al. 2017. PubMed ID: 28041643; Martin-Merida et al. 2019. PubMed ID: 30902645). We interpret this variant as pathogenic.

NM_001034853.2(RPGR):c.1530del (p.Asn511fs)

Gene: RPGR (retinitis pigmentosa GTPase regulator; minus strand). Cytogenetic location: Xp11.4.
Variant type: Deletion.
Coding change: c.1530del on transcript NM_001034853.2 (MANE Select); coding-DNA position 1530, one base deleted (C; older notation c.1530delC).
Protein change: p.Asn511fs; shifts the reading frame from asparagine 511.
Molecular consequence: frameshift variant. On other transcripts: non-coding transcript variant (6).
Genome position (GRCh38, 1-based): chrX:38,291,001, G deleted on the plus strand (C on the coding strand, the reverse complement: RPGR is on the minus strand); the first of 2 consecutive G bases (chrX:38,291,001-38,291,002); deleting either gives the same sequence. VCF-style (leftmost placement, unchanged base first): chrX-38291000-TG-T. GRCh37 (hg19) VCF-style: chrX-38150253-TG-T.
Other names: c.1530del, p.Asn511fs (NM_000328.3, NM_001367247.1); c.1527del, p.Asn510fs (NM_001367245.1, NM_001367249.1, NM_001367250.1); c.1344del, p.Asn449fs (NM_001367246.1, NM_001367251.1); c.1560del, p.Asn521fs (NM_001367248.1); short protein forms N521fs, N449fs, N510fs, N511fs.
Identifiers: ClinVar variation 4999130 (VCV004999130.1).